The following is an entry in ClinVar:

NM_024596.5(MCPH1):c.670+1G>A

Gene: MCPH1 (microcephalin 1; plus strand). Cytogenetic location: 8p23.1.
Variant type: single nucleotide variant.
Coding change: c.670+1G>A on transcript NM_024596.5 (MANE Select); the canonical splice donor site of the intron after coding-DNA position 670, G replaced by A.
Molecular consequence: splice donor variant.
Genome position (GRCh38, 1-based): chr8:6,442,157, G>A. VCF-style: chr8-6442157-G-A. GRCh37 (hg19) VCF-style: chr8-6299678-G-A.
Other names: c.670+1G>A (NM_001322042.2, NM_001363980.2, NM_001363979.1 and 3 more transcripts); c.526+1G>A (NM_001172575.2); c.664+1G>A (NM_001322043.2); c.568+1G>A (NM_001322045.2).
Identifiers: ClinVar variation 3595790 (VCV003595790.2).
Genomic context (GRCh38, chr8:6,442,157, plus strand): 5'-ATCCAAGTAACTCTCTGTGTGAAGCACCTTTGAACATTTCACGTGATACTTTGTGTTCAG[G>A]TAAAATTTTTATTTTCCTTTCTGTGATATGTTTAAGTTTTGAGAATAATATGATTTTCTG-3'

ClinVar aggregate classification (germline): Conflicting classifications of pathogenicity. Review status: criteria provided, conflicting classifications (1 of 4 stars). 2 submissions from 2 submitters: Likely pathogenic (1); Uncertain significance (1). Last evaluated 2025-09-16.

Conditions:
Microcephaly 1, primary, autosomal recessive (MCPH1). Also called: PREMATURE CHROMOSOME CONDENSATION SYNDROME; PCC SYNDROME; PREMATURE CHROMOSOME CONDENSATION WITH MICROCEPHALY AND MENTAL RETARDATION. Identifiers: Orphanet 2512, MedGen C1855081, MONDO:0009617, OMIM 251200.

gnomAD v4.1: 4 of 1,593,330 alleles (0.00025%); highest among the groups gnomAD compares: Middle Eastern, 0.017%; no homozygotes.

Submissions (2):

Myriad Genetics, Inc.
Classification: Uncertain significance for Microcephaly 1, primary, autosomal recessive. Last evaluated: 2025-09-16. Review status: criteria provided, single submitter. Criteria: Myriad Autosomal Dominant, Autosomal Recessive and X-Linked Classification Criteria (2023). Collection method: clinical testing. Allele origin: unknown.
Comment: NM_024596.3(MCPH1):c.670+1G>A is a variant in a canonical splice site classified as a variant of uncertain significance in the context of primary microcephaly, MCPH1-related. c.670+1G>A has not been observed in cases with relevant disease. Relevant functional assessments of this variant are not available in the literature. c.670+1G>A has not been observed in referenced population frequency databases. In summary, there is insufficient evidence to classify NM_024596.3(MCPH1):c.670+1G>A as pathogenic or benign. Please note: this variant was assessed in the context of healthy population screening.

Fulgent Genetics
Classification: Likely pathogenic for Microcephaly 1, primary, autosomal recessive. Last evaluated: 2024-06-22. Review status: criteria provided, single submitter. Criteria: ACMG Guidelines, 2015. Collection method: clinical testing. Allele origin: germline.